The following is an entry in ClinVar:

NM_018163.3(DNAJC17):c.822G>T (p.Glu274Asp)

Gene: DNAJC17 (DnaJ heat shock protein family (Hsp40) member C17; minus strand). Cytogenetic location: 15q15.1.
Variant type: single nucleotide variant.
Coding change: c.822G>T on transcript NM_018163.3 (MANE Select); coding-DNA position 822, G replaced by T.
Protein change: p.Glu274Asp; replaces glutamic acid 274 with aspartic acid.
Molecular consequence: missense variant.
Genome position (GRCh38, 1-based): chr15:40,768,033, C>A on the plus strand (G>T on the coding strand, the complement: DNAJC17 is on the minus strand). VCF-style: chr15-40768033-C-A. GRCh37 (hg19) VCF-style: chr15-41060231-C-A.
Other names: short protein forms E274D.
Identifiers: ClinVar variation 4753450 (VCV004753450.1).

ClinVar aggregate classification (germline): Uncertain significance (1 of 4 stars; one submission).

gnomAD v4.1: 20 of 1,590,926 alleles (0.0013%); highest among the groups gnomAD compares: South Asian, 0.017%; no homozygotes.

Submission:

Labcorp Genetics (formerly Invitae), Labcorp
Classification: Uncertain significance. Last evaluated: 2025-08-07. Review status: criteria provided, single submitter. Criteria: Invitae Variant Classification Sherloc (09022015). Collection method: clinical testing. Allele origin: germline.
Comment: This sequence change replaces glutamic acid, which is acidic and polar, with aspartic acid, which is acidic and polar, at codon 274 of the DNAJC17 protein (p.Glu274Asp). This variant is present in population databases (no rsID available, gnomAD 0.004%). This variant has not been reported in the literature in individuals affected with DNAJC17-related conditions. An algorithm developed to predict the effect of missense changes on protein structure and function (PolyPhen-2) suggests that this variant is likely to be disruptive. In summary, the available evidence is currently insufficient to determine the role of this variant in disease. Therefore, it has been classified as a Variant of Uncertain Significance.